The following is an entry in ClinVar:

NM_020779.4(WDR35):c.2605T>C (p.Leu869=)

Gene: WDR35 (WD repeat domain 35; minus strand). Cytogenetic location: 2p24.1.
Variant type: single nucleotide variant.
Coding change: c.2605T>C on transcript NM_020779.4 (MANE Select); coding-DNA position 2605, T replaced by C.
Protein change: p.Leu869=; no amino-acid change (leucine 869 retained).
Molecular consequence: synonymous variant.
Genome position (GRCh38, 1-based): chr2:19,933,454, A>G on the plus strand (T>C on the coding strand, the complement: WDR35 is on the minus strand). VCF-style: chr2-19933454-A-G. GRCh37 (hg19) VCF-style: chr2-20133215-A-G.
Other names: c.2638T>C, p.Leu880= (NM_001006657.2).
Identifiers: ClinVar variation 4873152 (VCV004873152.2).

ClinVar aggregate classification (germline): Likely benign (1 of 4 stars; one submission).

Submission:

CeGaT Center for Human Genetics Tuebingen
Classification: Likely benign. Last evaluated: 2026-05-01. Review status: criteria provided, single submitter. Criteria: CeGaT Center For Human Genetics Tuebingen Variant Classification Criteria Version 2. Collection method: clinical testing. Allele origin: germline. Affected: yes. Observed: 1 variant allele.
Comment: WDR35: PM2:Supporting, BP4, BP7